The following is an entry in ClinVar:

NM_001151.4(SLC25A4):c.535G>A (p.Val179Ile)

Gene: SLC25A4 (solute carrier family 25 member 4; plus strand). Cytogenetic location: 4q35.1.
Variant type: single nucleotide variant.
Coding change: c.535G>A on transcript NM_001151.4 (MANE Select); coding-DNA position 535, G replaced by A.
Protein change: p.Val179Ile; replaces valine 179 with isoleucine.
Molecular consequence: missense variant.
Genome position (GRCh38, 1-based): chr4:185,145,187, G>A. VCF-style: chr4-185145187-G-A. GRCh37 (hg19) VCF-style: chr4-186066341-G-A.
Other names: short protein forms V179I.
Identifiers: ClinVar variation 1302106 (VCV001302106.4), dbSNP rs2111285961, ClinGen allele CA358896833.

ClinVar aggregate classification (germline): Uncertain significance. Review status: criteria provided, multiple submitters, no conflicts (2 of 4 stars). 2 submissions from 2 submitters: Uncertain significance (2). Last evaluated 2024-08-20.

Allele frequency attached by ClinVar (database versions not stated): gnomAD exomes below 0.00001.
gnomAD v4.1: 2 of 1,614,052 alleles (0.00012%); highest among the groups gnomAD compares: Admixed American, 0.0017%; no homozygotes.

Submissions (2):

Labcorp Genetics (formerly Invitae), Labcorp
Classification: Uncertain significance. Last evaluated: 2024-08-20. Review status: criteria provided, single submitter. Criteria: Invitae Variant Classification Sherloc (09022015). Collection method: clinical testing. Allele origin: germline.
Comment: This sequence change replaces valine, which is neutral and non-polar, with isoleucine, which is neutral and non-polar, at codon 179 of the SLC25A4 protein (p.Val179Ile). This variant is not present in population databases (gnomAD no frequency). This variant has not been reported in the literature in individuals affected with SLC25A4-related conditions. ClinVar contains an entry for this variant (Variation ID: 1302106). Invitae Evidence Modeling of protein sequence and biophysical properties (such as structural, functional, and spatial information, amino acid conservation, physicochemical variation, residue mobility, and thermodynamic stability) indicates that this missense variant is not expected to disrupt SLC25A4 protein function with a negative predictive value of 80%. In summary, the available evidence is currently insufficient to determine the role of this variant in disease. Therefore, it has been classified as a Variant of Uncertain Significance.

GeneDx
Classification: Uncertain significance. Last evaluated: 2019-06-03. Review status: criteria provided, single submitter. Criteria: GeneDx Variant Classification Process June 2021. Collection method: clinical testing. Allele origin: germline. Affected: yes.
Comment: Not observed in large population cohorts (Lek et al., 2016); In silico analysis, which includes protein predictors and evolutionary conservation, supports that this variant does not alter protein structure/function; Has not been previously published as pathogenic or benign to our knowledge